The following is an entry in ClinVar:

NM_006767.4(LZTR1):c.651+1G>A

Gene: LZTR1 (leucine zipper like post translational regulator 1; plus strand). Cytogenetic location: 22q11.21.
Variant type: single nucleotide variant.
Coding change: c.651+1G>A on transcript NM_006767.4 (MANE Select); the canonical splice donor site of the intron after coding-DNA position 651, G replaced by A.
Molecular consequence: splice donor variant.
Genome position (GRCh38, 1-based): chr22:20,989,683, G>A. VCF-style: chr22-20989683-G-A. GRCh37 (hg19) VCF-style: chr22-21343972-G-A.
Identifiers: ClinVar variation 1804903 (VCV001804903.10), dbSNP rs1450044732, ClinGen allele CA410780396.

ClinVar aggregate classification (germline): Likely pathogenic. Review status: criteria provided, multiple submitters, no conflicts (2 of 4 stars). 5 submissions from 5 submitters: Likely pathogenic (5). Last evaluated 2026-04-13.

Conditions:
Hereditary cancer-predisposing syndrome. Also called: Hereditary neoplastic syndrome; Neoplastic Syndromes, Hereditary; Tumor predisposition; Hereditary Cancer Syndrome. Identifiers: Orphanet 140162, MedGen C0027672, MeSH D009386, MONDO:0015356.
Cardiovascular phenotype. Identifiers: MedGen CN230736.
LZTR1-related disorder. Also called: LZTR1-related disorders; LZTR1-related condition.
LZTR1-related schwannomatosis. Also called: Schwannomatosis-2, susceptibility to; Schwannomatosis 2. Identifiers: Orphanet 93921, MedGen C3810283, MONDO:0014299, OMIM 615670.

Allele frequency attached by ClinVar (database versions not stated): TOPMed below 0.00001.
gnomAD v4.1: 12 of 1,596,946 alleles (0.00075%); highest among the groups gnomAD compares: Admixed American, 0.0017%; no homozygotes.

Submissions (5):

Ambry Genetics
Classification: Likely pathogenic for Cardiovascular phenotype; Hereditary cancer-predisposing syndrome. Last evaluated: 2026-04-13. Review status: criteria provided, single submitter. Criteria: Ambry Variant Classification Scheme 2023. Collection method: clinical testing. Allele origin: germline.
Comment: The c.651+1G>A intronic variant results from a G to A substitution one nucleotide after coding exon 7 of the LZTR1 gene. This variant is considered to be rare based on population cohorts in the Genome Aggregation Database (gnomAD). This nucleotide position is highly conserved in available vertebrate species. In silico splice site analysis predicts that this alteration will weaken the native splice donor site and may result in the creation or strengthening of a novel splice donor site. RNA studies have demonstrated that this variant results in abnormal splicing in the set of samples tested (Ambry internal data). Loss-of-function variants in LZTR1 are related to an increased risk for schwannomas and autosomal recessive Noonan syndrome; however, such associations with autosomal dominant Noonan syndrome have not been observed (Piotrowski A et al. Nat Genet. 2014 Feb;46:182-7; Yamamoto GL et al. J Med Genet. 2015 Jun;52:413-21; Johnston JJ et al. Genet Med. 2018 10;20:1175-1185). Based on the supporting evidence, this variant is likely pathogenic for an increased risk of LZTR1-related schwannomatosis (SWN) and would be expected to cause autosomal recessive Noonan syndrome when present along with a second pathogenic or likely pathogenic variant on the other allele; however, the association of this variant with autosomal dominant Noonan syndrome is unlikely.

Labcorp Genetics (formerly Invitae), Labcorp
Classification: Likely pathogenic. Last evaluated: 2025-11-06. Review status: criteria provided, single submitter. Criteria: Invitae Variant Classification Sherloc (09022015). Collection method: clinical testing. Allele origin: germline.
Comment: This sequence change affects a donor splice site in intron 7 of the LZTR1 gene. It is expected to disrupt RNA splicing. Variants that disrupt the donor or acceptor splice site typically lead to a loss of protein function (PMID: 16199547), and loss-of-function variants in LZTR1 are known to be pathogenic (PMID: 24362817, 25335493, 25480913, 25795793, 29469822, 30368668, 30442762, 30442766, 30481304, 30859559). This variant is not present in population databases (gnomAD no frequency). Disruption of this splice site has been observed in individual(s) with congenital heart disease (PMID: 33084842). ClinVar contains an entry for this variant (Variation ID: 1804903). Algorithms developed to predict the effect of sequence changes on RNA splicing suggest that this variant may disrupt the consensus splice site. In summary, the currently available evidence indicates that the variant is pathogenic, but additional data are needed to prove that conclusively. Therefore, this variant has been classified as Likely Pathogenic.

Dasa
Classification: Likely pathogenic. Last evaluated: 2024-12-09. Review status: criteria provided, single submitter. Criteria: DASA Assertion Criteria. Collection method: clinical testing. Allele origin: germline.
Comment: NM_006767.4(LZTR1):c.651+1G>A affects a canonical splice site and is predicted to disrupt normal RNA splicing. Loss of function is an established disease mechanism for LZTR1-associated disorders. Also, this variant is rare in population databases. Based on the currently available evidence, this variant is classified as likely pathogenic.

Victorian Clinical Genetics Services, Murdoch Childrens Research Institute
Classification: Likely pathogenic for LZTR1-related schwannomatosis. Last evaluated: 2022-02-02. Review status: criteria provided, single submitter. Criteria: ACMG Guidelines, 2015. Collection method: clinical testing. Allele origin: germline. Inheritance: Autosomal dominant inheritance.
Comment: Based on the classification scheme VCGS_Germline_v1.3.3, this variant is classified as Likely Pathogenic. Following criteria are met: 0104 - Dominant negative is a likely mechanism of disease in this gene and is associated with Noonan syndrome 10 (MIM#616564). Missense mutations in this gene enhance stimulus-dependent RAS-MAPK signaling, consistent with lost LZTR1 function as a negative regulator of this pathway (PMID: 30481304). Susceptibility to schwannomatosis-2 (MIM#615670) requires a somatic second hit and is the result of a loss of function mechanism (OMIM). (I) 0107 - This gene is associated with autosomal dominant disease. (I) 0211 - Canonical splice site variant without proven consequence on splicing (no functional evidence available). (SP) 0251 - This variant is heterozygous. (I) 0302 - Variant is present in gnomAD (v3) <0.001 for a dominant condition (1 heterozygote, 0 homozygotes). (SP) 0311 - An alternative nucleotide change at the same canonical splice site, is present in gnomAD (v2) (2 heterozygotes, 0 homozygotes). (SB) 0505 - Abnormal splicing is predicted by in silico tools and affected nucleotide is highly conserved. Additional in silico tools (Splicing Diagnostics, Kids Neuroscience Centre) predict with high confidence that this variant will result in exon 7 skipping, leading to a protein expected to undergo nonsense-mediated decay. (SP) 0705 - No comparable splice variants have previous evidence for pathogenicity. (I) 0807 - This variant has no previous evidence of pathogenicity. (I) 0905 - No published segregation evidence has been identified for this variant. (I) 1007 - No published functional evidence has been identified for this variant. (I) Legend: (SP) - Supporting pathogenic, (I) - Information, (SB) - Supporting benign

Blueprint Genetics
Classification: Likely pathogenic for LZTR1-related disorders. Last evaluated: 2021-08-19. Review status: criteria provided, single submitter. Criteria: ACMG Guidelines, 2015. Collection method: clinical testing. Allele origin: germline. Affected: yes. Observed: 1 variant allele.

Literature cited by the submitters: PubMed 16199547 (cited by Labcorp Genetics (formerly Invitae), Labcorp); PubMed 24362817 (cited by Labcorp Genetics (formerly Invitae), Labcorp); PubMed 25335493 (cited by Labcorp Genetics (formerly Invitae), Labcorp); PubMed 25480913 (cited by Labcorp Genetics (formerly Invitae), Labcorp); PubMed 25795793 (cited by Labcorp Genetics (formerly Invitae), Labcorp); PubMed 29469822 (cited by Labcorp Genetics (formerly Invitae), Labcorp); PubMed 30368668 (cited by Labcorp Genetics (formerly Invitae), Labcorp); PubMed 30442762 (cited by Labcorp Genetics (formerly Invitae), Labcorp); PubMed 30442766 (cited by Labcorp Genetics (formerly Invitae), Labcorp); PubMed 30481304 (cited by Labcorp Genetics (formerly Invitae), Labcorp and Victorian Clinical Genetics Services, Murdoch Childrens Research Institute); PubMed 30859559 (cited by Labcorp Genetics (formerly Invitae), Labcorp); PubMed 33084842 (cited by Labcorp Genetics (formerly Invitae), Labcorp).